The following is an entry in ClinVar:

NM_001184.4(ATR):c.782T>C (p.Leu261Pro)

Gene: ATR (ATR checkpoint kinase; minus strand). Cytogenetic location: 3q23.
Variant type: single nucleotide variant.
Coding change: c.782T>C on transcript NM_001184.4 (MANE Select); coding-DNA position 782, T replaced by C.
Protein change: p.Leu261Pro; replaces leucine 261 with proline.
Molecular consequence: missense variant.
Genome position (GRCh38, 1-based): chr3:142,562,620, A>G on the plus strand (T>C on the coding strand, the complement: ATR is on the minus strand). VCF-style: chr3-142562620-A-G. GRCh37 (hg19) VCF-style: chr3-142281462-A-G.
Other names: c.782T>C, p.Leu261Pro (NM_001354579.2); short protein forms L261P.
Identifiers: ClinVar variation 1760803 (VCV001760803.7), dbSNP rs2034923652, ClinGen allele CA354825528.

ClinVar aggregate classification (germline): Uncertain significance. Review status: criteria provided, multiple submitters, no conflicts (2 of 4 stars). 2 submissions from 2 submitters: Uncertain significance (2). Last evaluated 2025-11-07.

Conditions:
Inborn genetic diseases. Identifiers: MedGen C0950123, MeSH D030342.

Allele frequency attached by ClinVar (database versions not stated): gnomAD 0.00001.

Submissions (2):

Ambry Genetics
Classification: Uncertain significance for Inborn genetic diseases. Last evaluated: 2025-11-07. Review status: criteria provided, single submitter. Criteria: Ambry Variant Classification Scheme 2023. Collection method: clinical testing. Allele origin: germline.

Labcorp Genetics (formerly Invitae), Labcorp
Classification: Uncertain significance. Last evaluated: 2023-09-08. Review status: criteria provided, single submitter. Criteria: Invitae Variant Classification Sherloc (09022015). Collection method: clinical testing. Allele origin: germline.
Comment: This sequence change replaces leucine, which is neutral and non-polar, with proline, which is neutral and non-polar, at codon 261 of the ATR protein (p.Leu261Pro). This variant is not present in population databases (gnomAD no frequency). This variant has not been reported in the literature in individuals affected with ATR-related conditions. ClinVar contains an entry for this variant (Variation ID: 1760803). An algorithm developed to predict the effect of missense changes on protein structure and function (PolyPhen-2) suggests that this variant is likely to be tolerated. In summary, the available evidence is currently insufficient to determine the role of this variant in disease. Therefore, it has been classified as a Variant of Uncertain Significance.